The following is an entry in ClinVar:

ClinVar aggregate classification (germline): Benign (1 of 4 stars; one submission).

Conditions:
Familial cancer of breast. Also called: BREAST CANCER, FAMILIAL; Hereditary breast cancer; hereditary breast carcinoma. Identifiers: Orphanet 227535, MedGen C0346153, MONDO:0016419, OMIM 114480. Disease mechanism: loss of function.

Submission:

Myriad Genetics, Inc.
Classification: Benign for Familial cancer of breast. Last evaluated: 2024-05-09. Review status: criteria provided, single submitter. Criteria: Myriad Autosomal Dominant, Autosomal Recessive and X-Linked Classification Criteria (2023). Collection method: clinical testing. Allele origin: unknown.
Comment: This variant is considered benign. This variant is a silent/synonymous amino acid change and it is not expected to impact splicing.

NM_000051.4(ATM):c.2499A>G (p.Gly833=)

Gene: ATM (ATM serine/threonine kinase; plus strand). Cytogenetic location: 11q22.3.
Variant type: single nucleotide variant.
Coding change: c.2499A>G on transcript NM_000051.4 (MANE Select); coding-DNA position 2499, A replaced by G.
Protein change: p.Gly833=; no amino-acid change (glycine 833 retained).
Molecular consequence: synonymous variant.
Genome position (GRCh38, 1-based): chr11:108,267,203, A>G. VCF-style: chr11-108267203-A-G. GRCh37 (hg19) VCF-style: chr11-108137930-A-G.
Other names: c.2499A>G, p.Gly833= (NM_001351834.2).
Identifiers: ClinVar variation 3253807 (VCV003253807.1), dbSNP rs1060504263.